The following is an entry in ClinVar:

NM_003640.5(ELP1):c.3492C>T (p.Asp1164=)

Gene: ELP1 (elongator acetyltransferase complex subunit 1; minus strand). Cytogenetic location: 9q31.3.
Variant type: single nucleotide variant.
Coding change: c.3492C>T on transcript NM_003640.5 (MANE Select); coding-DNA position 3492, C replaced by T.
Protein change: p.Asp1164=; no amino-acid change (aspartic acid 1164 retained).
Molecular consequence: synonymous variant.
Genome position (GRCh38, 1-based): chr9:108,879,526, G>A on the plus strand (C>T on the coding strand, the complement: ELP1 is on the minus strand). VCF-style: chr9-108879526-G-A. GRCh37 (hg19) VCF-style: chr9-111641806-G-A.
Other names: p.Asp1164=; c.3150C>T, p.Asp1050= (NM_001318360.2); c.2445C>T, p.Asp815= (NM_001330749.2); c.3492C>T (LRG_251t1).
Identifiers: ClinVar variation 364557 (VCV000364557.23), dbSNP rs79596285, ClinGen allele CA5174279.

ClinVar aggregate classification (germline): Benign. Review status: criteria provided, multiple submitters, no conflicts (2 of 4 stars). 7 submissions from 7 submitters: Benign (6). 1 of the submissions does not count toward it. Last evaluated 2026-02-04.

Conditions:
Familial dysautonomia. Also called: HSAN III; FD. Identifiers: Orphanet 1764, MedGen C0013364, MONDO:0009131, OMIM 223900. Disease mechanism: loss of function.

Allele frequency attached by ClinVar (database versions not stated): ESP Exome Variant Server 0.00177; gnomAD exomes 0.00867 and 0.03313; gnomAD 0.01448 and 0.01533; TOPMed 0.02181; ExAC 0.02587; 1000 Genomes Project 0.02716; 1000 Genomes Project 30x 0.02717.
gnomAD v4.1: 14,953 of 1,613,992 alleles (0.93%); highest among the groups gnomAD compares: Admixed American, 15%; 1,011 homozygotes.

Submissions (7):

Labcorp Genetics (formerly Invitae), Labcorp
Classification: Benign. Last evaluated: 2026-02-04. Review status: criteria provided, single submitter. Criteria: Invitae Variant Classification Sherloc (09022015). Collection method: clinical testing. Allele origin: germline.

Mayo Clinic Laboratories, Mayo Clinic
Classification: Benign. Last evaluated: 2021-05-06. Review status: criteria provided, single submitter. Criteria: ACMG Guidelines, 2015. Collection method: clinical testing. Allele origin: germline. Observed: 32 variant alleles.

Illumina Laboratory Services, Illumina
Classification: Benign for Familial dysautonomia. Last evaluated: 2018-01-13. Review status: criteria provided, single submitter. Criteria: ICSL Variant Classification Criteria 13 December 2019. Collection method: clinical testing. Allele origin: germline.
Comment: This variant was observed in the ICSL laboratory as part of a predisposition screen in an ostensibly healthy population. It had not been previously curated by ICSL or reported in the Human Gene Mutation Database (HGMD: prior to June 1st, 2018), and was therefore a candidate for classification through an automated scoring system. Utilizing variant allele frequency, disease prevalence and penetrance estimates, and inheritance mode, an automated score was calculated to assess if this variant is too frequent to cause the disease. Based on the score and internal cut-off values, a variant classified as benign is not then subjected to further curation. The score for this variant resulted in a classification of benign for this disease.

Women's Health and Genetics/Laboratory Corporation of America, LabCorp
Classification: Benign. Last evaluated: 2016-07-25. Review status: criteria provided, single submitter. Criteria: LabCorp Variant Classification Summary - May 2015. Collection method: clinical testing. Allele origin: germline.
Comment: Variant summary: The IKBKAP c.3492C>T (p.Asp1164Asp) variant involves the alteration of a non-conserved nucleotide, resulting in a synonymous change. One in silico tool predicts a disease-causing outcome for this variant. 5/5 splice prediction tools predict no significant impact on normal splicing. ESE finder predicts that this variant may affect ESE sites. However, these predictions have yet to be confirmed by functional studies. This variant was found in 3138/121288 control chromosomes (271 homozygotes) at a frequency of 0.0258723, which is approximately 14 times the estimated maximal expected allele frequency of a pathogenic IKBKAP variant (0.001838), suggesting this variant is likely a benign polymorphism. The variant of interest has not, to our knowledge, been reported in affected individuals via publications and/or reputable databases/clinical diagnostic laboratories; nor evaluated for functional impact by in vivo/vitro studies. Taken together, this variant is classified as benign.

GeneDx
Classification: Benign. Last evaluated: 2015-03-03. Review status: criteria provided, single submitter. Criteria: GeneDx Variant Classification Process June 2021. Collection method: clinical testing. Allele origin: germline. Affected: yes.

Breakthrough Genomics
Classification: Benign. Review status: criteria provided, single submitter. Criteria: ACMG Guidelines, 2015. Collection method: not provided. Allele origin: germline. Inheritance: Autosomal recessive inheritance. Affected: yes.

Natera, Inc.
Classification: Benign for Familial dysautonomia. Last evaluated: 2017-05-10. Review status: no assertion criteria provided. Collection method: clinical testing. Allele origin: germline. Not counted in ClinVar's aggregate classification.